The following is an entry in ClinVar:

NM_020774.4(MIB1):c.939dup (p.Ala314fs)

Gene: MIB1 (MIB E3 ubiquitin protein ligase 1; plus strand). Cytogenetic location: 18q11.2.
Variant type: Duplication.
Coding change: c.939dup on transcript NM_020774.4 (MANE Select); coding-DNA position 939, one base duplicated (A; older notation c.939dupA).
Protein change: p.Ala314fs; shifts the reading frame from alanine 314.
Molecular consequence: frameshift variant.
Genome position (GRCh38, 1-based): chr18:21,791,404, A duplicated; the last of 3 consecutive A bases (chr18:21,791,402-21,791,404); duplicating any one gives the same sequence. VCF-style (leftmost placement, unchanged base first): chr18-21791401-T-TA. GRCh37 (hg19) VCF-style: chr18-19371362-T-TA.
Other names: c.939dupA (NM_020774.3); short protein forms A314fs.
Identifiers: ClinVar variation 432617 (VCV000432617.2), dbSNP rs1555691689, ClinGen allele CA645373274.

ClinVar aggregate classification (germline): Uncertain significance (1 of 4 stars; one submission).

Submission:

GeneDx
Classification: Uncertain significance. Last evaluated: 2017-06-09. Review status: criteria provided, single submitter. Criteria: GeneDx Variant Classification (06012015). Collection method: clinical testing. Allele origin: germline. Affected: yes.
Comment: A variant of uncertain significance has been identified in the MIB1 gene. The c.939dupA variant has not been published as pathogenic or been reported as benign to our knowledge. This variant is not observed in large population cohorts (Lek et al., 2016; 1000 Genomes Consortium et al., 2015; Exome Variant Server). The c.939dupA variant causes a shift in reading frame starting at codon alanine 314, changing it to a serine, and creating a premature stop codon at position 24 of the new reading frame, denoted p.Ala314SerfsX24. This variant is expected to result in either an abnormal, truncated protein product or loss of protein from this allele through nonsense-mediated mRNA decay. However, few other loss of function variants in the MIB1 gene have been reported in Human Gene Mutation Database in association with MIB1-associated disorders (Stenson et al., 2014), indicating that there is not enough evidence supporting haploinsufficiency as a disease mechanism for MIB1-related disorders.